The following is an entry in ClinVar:

NM_001036.6(RYR3):c.7774G>A (p.Val2592Met)

Gene: RYR3 (ryanodine receptor 3; plus strand). Cytogenetic location: 15q14.
Variant type: single nucleotide variant.
Coding change: c.7774G>A on transcript NM_001036.6 (MANE Select); coding-DNA position 7774, G replaced by A.
Protein change: p.Val2592Met; replaces valine 2592 with methionine.
Molecular consequence: missense variant.
Genome position (GRCh38, 1-based): chr15:33,739,949, G>A. VCF-style: chr15-33739949-G-A. GRCh37 (hg19) VCF-style: chr15-34032150-G-A.
Other names: c.7774G>A, p.Val2592Met (NM_001243996.4); c.7774G>A (NM_001036.3); short protein forms V2592M.
Identifiers: ClinVar variation 1007051 (VCV001007051.9), dbSNP rs764854998, ClinGen allele CA7459981.

ClinVar aggregate classification (germline): Uncertain significance. Review status: criteria provided, multiple submitters, no conflicts (2 of 4 stars). 2 submissions from 2 submitters: Uncertain significance (2). Last evaluated 2023-10-20.

Conditions:
Epileptic encephalopathy. Identifiers: MedGen C0543888, HP:0200134.

Allele frequency attached by ClinVar (database versions not stated): gnomAD 0.00002; TOPMed 0.00002; ExAC 0.00003.
gnomAD v4.1: 18 of 1,613,820 alleles (0.0011%); highest among the groups gnomAD compares: Admixed American, 0.025%; no homozygotes.

Submissions (2):

Ambry Genetics
Classification: Uncertain significance. Last evaluated: 2023-10-20. Review status: criteria provided, single submitter. Criteria: Ambry Variant Classification Scheme 2023. Collection method: clinical testing. Allele origin: germline.

Labcorp Genetics (formerly Invitae), Labcorp
Classification: Uncertain significance for Epileptic encephalopathy. Last evaluated: 2022-03-19. Review status: criteria provided, single submitter. Criteria: Invitae Variant Classification Sherloc (09022015). Collection method: clinical testing. Allele origin: germline.
Comment: ClinVar contains an entry for this variant (Variation ID: 1007051). Algorithms developed to predict the effect of missense changes on protein structure and function are either unavailable or do not agree on the potential impact of this missense change (SIFT: "Deleterious"; PolyPhen-2: "Benign"; Align-GVGD: "Class C0"). In summary, the available evidence is currently insufficient to determine the role of this variant in disease. Therefore, it has been classified as a Variant of Uncertain Significance. This variant has not been reported in the literature in individuals affected with RYR3-related conditions. This sequence change replaces valine, which is neutral and non-polar, with methionine, which is neutral and non-polar, at codon 2592 of the RYR3 protein (p.Val2592Met). This variant is present in population databases (rs764854998, gnomAD 0.03%).